The following is an entry in ClinVar:

NM_004380.3(CREBBP):c.976-6T>C

Gene: CREBBP (CREB binding lysine acetyltransferase; minus strand). Cytogenetic location: 16p13.3.
Variant type: single nucleotide variant.
Coding change: c.976-6T>C on transcript NM_004380.3 (MANE Select); 6 bases into the intron before coding-DNA position 976, T replaced by C.
Molecular consequence: intron variant.
Genome position (GRCh38, 1-based): chr16:3,793,632, A>G on the plus strand (T>C on the coding strand, the complement: CREBBP is on the minus strand). VCF-style: chr16-3793632-A-G. GRCh37 (hg19) VCF-style: chr16-3843633-A-G.
Other names: c.976-6T>C (NM_001079846.1, NM_004380.2).
Identifiers: ClinVar variation 2749159 (VCV002749159.5), dbSNP rs1443258603, ClinGen allele CA620714648.

ClinVar aggregate classification (germline): Likely benign. Review status: criteria provided, single submitter (1 of 4 stars). 2 submissions from 2 submitters: Likely benign (1). 1 of the submissions does not count toward it. Last evaluated 2024-01-19.

Conditions:
Rubinstein-Taybi syndrome (RSTS). Identifiers: Orphanet 783, MedGen C0035934, MONDO:0019188.
CREBBP-related disorder. Also called: CREBBP-related disorders; CREBBP-related condition.

Allele frequency attached by ClinVar (database versions not stated): gnomAD exomes below 0.00001; gnomAD 0.00002; TOPMed 0.00005.
gnomAD v4.1: 6 of 1,612,180 alleles (0.00037%); highest among the groups gnomAD compares: African/African-American, 0.0067%; no homozygotes.

Submissions (2):

Labcorp Genetics (formerly Invitae), Labcorp
Classification: Likely benign for Rubinstein-Taybi syndrome. Last evaluated: 2024-01-19. Review status: criteria provided, single submitter. Criteria: Invitae Variant Classification Sherloc (09022015). Collection method: clinical testing. Allele origin: germline.

PreventionGenetics, part of Exact Sciences
Classification: Likely benign for CREBBP-related condition. Last evaluated: 2021-11-17. Review status: no assertion criteria provided. Collection method: clinical testing. Allele origin: germline. Not counted in ClinVar's aggregate classification.
Comment: This variant is classified as likely benign based on ACMG/AMP sequence variant interpretation guidelines (Richards et al. 2015 PMID: 25741868, with internal and published modifications).